The following is an entry in ClinVar:

NM_001318852.2(MAPK8IP3):c.1960C>A (p.His654Asn)

Gene: MAPK8IP3 (mitogen-activated protein kinase 8 interacting protein 3; plus strand). Cytogenetic location: 16p13.3.
Variant type: single nucleotide variant.
Coding change: c.1960C>A on transcript NM_001318852.2 (MANE Select); coding-DNA position 1960, C replaced by A.
Protein change: p.His654Asn; replaces histidine 654 with asparagine.
Molecular consequence: missense variant.
Genome position (GRCh38, 1-based): chr16:1,763,718, C>A. VCF-style: chr16-1763718-C-A. GRCh37 (hg19) VCF-style: chr16-1813719-C-A.
Other names: c.1939C>A, p.His647Asn (NM_001040439.2); c.1957C>A, p.His653Asn (NM_015133.5); short protein forms H647N, H653N, H654N.
Identifiers: ClinVar variation 3600879 (VCV003600879.1).
Genomic context (GRCh38, chr16:1,763,718, plus strand): 5'-GACTGCACGTCCTCCGCCCGTCGAGAGCAGAAGCGCGAGCAGTACCGCCAGGTGCGTGAG[C>A]ACGTGCGTAACGACGACGGCCGTCTGCAGGCCTGCGGCTGGAGCCTGCCCGCCAAGTACA-3'
Protein context (NP_001305781.1, residues 644-664): KREQYRQVRE[His654Asn]VRNDDGRLQA

ClinVar aggregate classification (germline): Uncertain significance (1 of 4 stars; one submission).

Submission:

GeneDx
Classification: Uncertain significance. Last evaluated: 2024-07-21. Review status: criteria provided, single submitter. Criteria: GeneDx Variant Classification Process June 2021. Collection method: clinical testing. Allele origin: germline. Affected: yes.
Comment: In silico analysis supports that this missense variant has a deleterious effect on protein structure/function; Has not been previously published as pathogenic or benign to our knowledge